The following is an entry in ClinVar:

ClinVar aggregate classification (germline): Uncertain significance. Review status: criteria provided, multiple submitters, no conflicts (2 of 4 stars). 3 submissions from 2 submitters: Uncertain significance (3). Last evaluated 2019-02-22.

Conditions:
Charcot-Marie-Tooth disease, axonal, with vocal cord paresis, autosomal recessive. Also called: CHARCOT-MARIE-TOOTH DISEASE, TYPE 4A, AXONAL FORM; CHARCOT-MARIE-TOOTH NEUROPATHY, AXONAL, WITH VOCAL CORD PARESIS, AUTOSOMAL RECESSIVE; CMT2 WITH VOCAL CORD PARESIS, AUTOSOMAL RECESSIVE. Identifiers: Orphanet 101097, MedGen C1843183, MONDO:0011898, OMIM 607706.
Charcot-Marie-Tooth disease recessive intermediate A (CMTRIA). Also called: CHARCOT-MARIE-TOOTH NEUROPATHY, RECESSIVE INTERMEDIATE A. Identifiers: Orphanet 217055, MedGen C1842197, MONDO:0012014, OMIM 608340.
Charcot-Marie-Tooth disease type 4A. Also called: Charcot-Marie-Tooth disease, demyelinating, autosomal recessive, type 4a. Identifiers: Orphanet 99948, MedGen C1859198, MONDO:0008961, OMIM 214400.

gnomAD v4.1: 1 of 1,614,144 alleles (0.000062%); no homozygotes.

Submissions (3):

Labcorp Genetics (formerly Invitae), Labcorp
Classification: Uncertain significance for Charcot-Marie-Tooth disease type 4A. Last evaluated: 2019-02-22. Review status: criteria provided, single submitter. Criteria: Invitae Variant Classification Sherloc (09022015). Collection method: clinical testing. Allele origin: germline.
Comment: Algorithms developed to predict the effect of missense changes on protein structure and function (SIFT, PolyPhen-2, Align-GVGD) all suggest that this variant is likely to be tolerated, but these predictions have not been confirmed by published functional studies and their clinical significance is uncertain. In summary, the available evidence is currently insufficient to determine the role of this variant in disease. Therefore, it has been classified as a Variant of Uncertain Significance. This variant has not been reported in the literature in individuals with GDAP1-related conditions. This variant is not present in population databases (ExAC no frequency). This sequence change replaces lysine with arginine at codon 291 of the GDAP1 protein (p.Lys291Arg). The lysine residue is highly conserved and there is a small physicochemical difference between lysine and arginine.

Illumina Laboratory Services, Illumina
Classification: Uncertain significance for Charcot-Marie-Tooth disease, axonal, with vocal cord paresis, autosomal recessive. Last evaluated: 2018-01-12. Review status: criteria provided, single submitter. Criteria: ICSL Variant Classification Criteria 13 December 2019. Collection method: clinical testing. Allele origin: germline.

Illumina Laboratory Services, Illumina
Classification: Uncertain significance for Charcot-Marie-Tooth disease recessive intermediate A. Last evaluated: 2018-01-12. Review status: criteria provided, single submitter. Criteria: ICSL Variant Classification Criteria 13 December 2019. Collection method: clinical testing. Allele origin: germline.

NM_018972.4(GDAP1):c.872A>G (p.Lys291Arg)

Gene: GDAP1 (ganglioside induced differentiation associated protein 1; plus strand). Cytogenetic location: 8q21.11.
Variant type: single nucleotide variant.
Coding change: c.872A>G on transcript NM_018972.4 (MANE Select); coding-DNA position 872, A replaced by G.
Protein change: p.Lys291Arg; replaces lysine 291 with arginine.
Molecular consequence: missense variant. On other transcripts: intron variant (1).
Genome position (GRCh38, 1-based): chr8:74,364,162, A>G. VCF-style: chr8-74364162-A-G. GRCh37 (hg19) VCF-style: chr8-75276397-A-G.
Other names: c.668A>G, p.Lys223Arg (NM_001040875.4); c.545A>G, p.Lys182Arg (NM_001362929.2, NM_001362932.2); c.698A>G, p.Lys233Arg (NM_001362930.2); c.694+1109A>G (NM_001362931.2); short protein forms K182R, K223R, K233R, K291R.
Identifiers: ClinVar variation 848093 (VCV000848093.13), dbSNP rs1809508613, ClinGen allele CA371550443.